The following is an entry in ClinVar:

ClinVar aggregate classification (germline): Uncertain significance (1 of 4 stars; one submission).

Conditions:
Neutropenia, severe congenital, 1, autosomal dominant. Identifiers: MedGen C1859966, MONDO:0042490, OMIM 202700.
Cyclical neutropenia. Also called: Cyclic hematopoiesis; Cyclic Neutropenia. Identifiers: Orphanet 2686, MedGen C0221023, MONDO:0008090, OMIM 162800, HP:0040289. Disease mechanism: loss of function.

Submission:

Labcorp Genetics (formerly Invitae), Labcorp
Classification: Uncertain significance for Neutropenia, severe congenital, 1, autosomal dominant; Cyclical neutropenia. Last evaluated: 2025-05-15. Review status: criteria provided, single submitter. Criteria: Invitae Variant Classification Sherloc (09022015). Collection method: clinical testing. Allele origin: germline.
Comment: This sequence change falls in intron 1 of the ELANE gene. It does not directly change the encoded amino acid sequence of the ELANE protein. This variant is not present in population databases (gnomAD no frequency). This variant has not been reported in the literature in individuals affected with ELANE-related conditions. Experimental studies and prediction algorithms are not available or were not evaluated, and the effect of this variant on mRNA splicing is currently unknown. In summary, the available evidence is currently insufficient to determine the role of this variant in disease. Therefore, it has been classified as a Variant of Uncertain Significance.

NM_001972.4(ELANE):c.49_67+131dup

Gene: ELANE (elastase, neutrophil expressed; plus strand). Cytogenetic location: 19p13.3.
Variant type: Duplication.
Coding change: c.49_67+131dup on transcript NM_001972.4 (MANE Select); coding-DNA position 49 through 131 bases into the intron after coding-DNA position 67, 150 bases duplicated.
Molecular consequence: splice donor variant.
Genome position (GRCh38, 1-based): chr19:852,377-852,526, 150 bases duplicated. GRCh37 (hg19): chr19:852,377-852,526.
Identifiers: ClinVar variation 3759459 (VCV003759459.2).